The following is an entry in ClinVar:

ClinVar aggregate classification (germline): Uncertain significance (1 of 4 stars; one submission).

Submission:

GeneDx
Classification: Uncertain significance. Last evaluated: 2019-11-08. Review status: criteria provided, single submitter. Criteria: GeneDx Variant Classification Process June 2021. Collection method: clinical testing. Allele origin: germline. Affected: yes.
Comment: Not observed in large population cohorts (Lek et al., 2016); In silico analysis, which includes protein predictors and evolutionary conservation, supports that this variant does not alter protein structure/function; Has not been previously published as pathogenic or benign to our knowledge

NM_001005373.4(LRSAM1):c.121C>G (p.Leu41Val)

Gene: LRSAM1 (leucine rich repeat and sterile alpha motif containing 1; plus strand). Cytogenetic location: 9q33.3.
Variant type: single nucleotide variant.
Coding change: c.121C>G on transcript NM_001005373.4 (MANE Select); coding-DNA position 121, C replaced by G.
Protein change: p.Leu41Val; replaces leucine 41 with valine.
Molecular consequence: missense variant. On other transcripts: 5 prime UTR variant (1), non-coding transcript variant (2).
Genome position (GRCh38, 1-based): chr9:127,455,046, C>G. VCF-style: chr9-127455046-C-G. GRCh37 (hg19) VCF-style: chr9-130217325-C-G.
Other names: c.121C>G, p.Leu41Val (NM_001005374.4, NM_001190723.3, NM_001384142.1 and 2 more transcripts); c.-664C>G (NM_001384144.1); short protein forms L41V.
Identifiers: ClinVar variation 1316502 (VCV001316502.2), dbSNP rs1834465235, ClinGen allele CA374962243.